The following is an entry in ClinVar:

ClinVar aggregate classification (germline): Likely benign (1 of 4 stars; one submission).

Allele frequency attached by ClinVar (database versions not stated): gnomAD exomes below 0.00001; TOPMed 0.00001.
gnomAD v4.1: 4 of 1,612,240 alleles (0.00025%); highest among the groups gnomAD compares: Non-Finnish European, 0.00034%; no homozygotes.

Submission:

GeneDx
Classification: Likely benign. Last evaluated: 2016-08-12. Review status: criteria provided, single submitter. Criteria: GeneDx Variant Classification (06012015). Collection method: clinical testing. Allele origin: germline. Affected: yes.
Comment: This variant is considered likely benign or benign based on one or more of the following criteria: it is a conservative change, it occurs at a poorly conserved position in the protein, it is predicted to be benign by multiple in silico algorithms, and/or has population frequency not consistent with disease.

NM_001105206.3(LAMA4):c.66C>T (p.Ser22=)

Genes: LAMA4 (laminin subunit alpha 4; minus strand), LAMA4-AS1 (LAMA4 antisense RNA 1; plus strand). Cytogenetic location: 6q21.
Variant type: single nucleotide variant.
Coding change: c.66C>T on transcript NM_001105206.3 (MANE Select); coding-DNA position 66, C replaced by T.
Protein change: p.Ser22=; no amino-acid change (serine 22 retained).
Molecular consequence: synonymous variant.
Genome position (GRCh38, 1-based): chr6:112,254,085, G>A on the plus strand (C>T on the coding strand, the complement: LAMA4 is on the minus strand). VCF-style: chr6-112254085-G-A. GRCh37 (hg19) VCF-style: chr6-112575287-G-A.
Other names: c.66C>T, p.Ser22= (NM_001105207.3, NM_001105208.3, NM_001105209.3 and 1 more transcripts).
Identifiers: ClinVar variation 388077 (VCV000388077.1), dbSNP rs782600342, ClinGen allele CA16604967.